The following is an entry in ClinVar:

NM_002661.5(PLCG2):c.431+5_431+6insGGGTAGT

Gene: PLCG2 (phospholipase C gamma 2; plus strand). Cytogenetic location: 16q23.3.
Variant type: Insertion.
Coding change: c.431+5_431+6insGGGTAGT on transcript NM_002661.5 (MANE Select); bases 5 to 6 of the intron after coding-DNA position 431, GGGTAGT inserted.
Molecular consequence: splice donor variant.
Genome position: GRCh38 VCF-style: chr16-81858355-A-AGGTAGTG. GRCh37 (hg19) VCF-style: chr16-81891960-A-AGGTAGTG.
Identifiers: ClinVar variation 2113340 (VCV002113340.4), dbSNP rs1906789668, ClinGen allele CA979688819.

ClinVar aggregate classification (germline): Uncertain significance (1 of 4 stars; one submission).

Conditions:
Familial cold autoinflammatory syndrome 3 (FCAS3). Also called: FAMILIAL ATYPICAL COLD URTICARIA; ANTIBODY DEFICIENCY AND IMMUNE DYSREGULATION, PLCG2-ASSOCIATED. Identifiers: Orphanet 300359, MedGen C3280914, MONDO:0013766, OMIM 614468.

Submission:

Labcorp Genetics (formerly Invitae), Labcorp
Classification: Uncertain significance for Familial cold autoinflammatory syndrome 3. Last evaluated: 2022-03-28. Review status: criteria provided, single submitter. Criteria: Invitae Variant Classification Sherloc (09022015). Collection method: clinical testing. Allele origin: germline.
Comment: This sequence change falls in intron 4 of the PLCG2 gene. It does not directly change the encoded amino acid sequence of the PLCG2 protein. It affects a nucleotide within the consensus splice site. This variant is not present in population databases (gnomAD no frequency). This variant has not been reported in the literature in individuals affected with PLCG2-related conditions. Variants that disrupt the consensus splice site are a relatively common cause of aberrant splicing (PMID: 17576681, 9536098). Algorithms developed to predict the effect of sequence changes on RNA splicing suggest that this variant may disrupt the consensus splice site. In summary, the available evidence is currently insufficient to determine the role of this variant in disease. Therefore, it has been classified as a Variant of Uncertain Significance.

Literature cited by the submitters: PubMed 17576681; PubMed 9536098.